The following is an entry in ClinVar:

NM_021224.6(ZNF462):c.4733G>A (p.Arg1578Gln)

Gene: ZNF462 (zinc finger protein 462; plus strand). Cytogenetic location: 9q31.2.
Variant type: single nucleotide variant.
Coding change: c.4733G>A on transcript NM_021224.6 (MANE Select); coding-DNA position 4733, G replaced by A.
Protein change: p.Arg1578Gln; replaces arginine 1578 with glutamine.
Molecular consequence: missense variant. On other transcripts: intron variant (1).
Genome position (GRCh38, 1-based): chr9:106,928,645, G>A. VCF-style: chr9-106928645-G-A. GRCh37 (hg19) VCF-style: chr9-109690926-G-A.
Other names: c.3252+1481G>A (NM_001347997.2); short protein forms R1578Q.
Identifiers: ClinVar variation 2581385 (VCV002581385.2), dbSNP rs147201759, ClinGen allele CA5171870.

ClinVar aggregate classification (germline): Uncertain significance. Review status: criteria provided, multiple submitters, no conflicts (2 of 4 stars). 2 submissions from 2 submitters: Uncertain significance (2). Last evaluated 2023-10-27.

Conditions:
Weiss-Kruszka syndrome. Also called: Metopic ridging-ptosis-facial dysmorphism syndrome. Identifiers: Orphanet 502430, MedGen C5568107, MONDO:0032836, OMIM 618619.

Allele frequency attached by ClinVar (database versions not stated): ExAC 0.00001; gnomAD exomes 0.00001; gnomAD 0.00002; TOPMed 0.00002; ESP Exome Variant Server 0.00008.
gnomAD v4.1: 13 of 1,613,986 alleles (0.00081%); highest among the groups gnomAD compares: Middle Eastern, 0.016%; no homozygotes.

Submissions (2):

Clinical Genomics Laboratory, Washington University in St. Louis
Classification: Uncertain significance for Weiss-Kruszka syndrome. Last evaluated: 2023-10-27. Review status: criteria provided, single submitter. Criteria: ACMG Guidelines, 2015. Collection method: clinical testing. Allele origin: germline.
Comment: The ZNF462 c.4733G>A (p.Arg1578Gln) variant, to our knowledge, has not been reported in the medical literature. This variant is only observed on 2/251,148 alleles in the general population (gnomAD v.2.1.1), indicating it is not a common variant. Computational predictors are uncertain as to the impact of this variant on ZNF462 function. This variant has been reported in the ClinVar database as a variant of uncertain significance by one submitter (ClinVar ID: 2581385). Due to limited information, and based on ACMG/AMP guidelines for variant interpretation (Richards S et al., PMID: 25741868), the clinical significance of this variant is uncertain at this time.

Women's Health and Genetics/Laboratory Corporation of America, LabCorp
Classification: Uncertain significance. Last evaluated: 2023-08-25. Review status: criteria provided, single submitter. Criteria: LabCorp Variant Classification Summary - May 2015. Collection method: clinical testing. Allele origin: germline.
Comment: Variant summary: ZNF462 c.4733G>A (p.Arg1578Gln) results in a conservative amino acid change located in a Zinc finger C2H2-type domain (IPR013087) of the encoded protein sequence. Three of five in-silico tools predict a damaging effect of the variant on protein function. The variant allele was found at a frequency of 8e-06 in 251148 control chromosomes. The available data on variant occurrences in the general population are insufficient to allow any conclusion about variant significance. To our knowledge, no occurrence of c.4733G>A in individuals affected with Weiss-Kruszka Syndrome and no experimental evidence demonstrating its impact on protein function have been reported. No submitters have cited clinical-significance assessments for this variant to ClinVar after 2014. Based on the evidence outlined above, the variant was classified as uncertain significance.